The following is an entry in ClinVar:

NM_003482.4(KMT2D):c.5192T>C (p.Ile1731Thr)

Gene: KMT2D (lysine methyltransferase 2D; minus strand). Cytogenetic location: 12q13.12.
Variant type: single nucleotide variant.
Coding change: c.5192T>C on transcript NM_003482.4 (MANE Select); coding-DNA position 5192, T replaced by C.
Protein change: p.Ile1731Thr; replaces isoleucine 1731 with threonine.
Molecular consequence: missense variant.
Genome position (GRCh38, 1-based): chr12:49,043,995, A>G on the plus strand (T>C on the coding strand, the complement: KMT2D is on the minus strand). VCF-style: chr12-49043995-A-G. GRCh37 (hg19) VCF-style: chr12-49437778-A-G.
Other names: short protein forms I1731T.
Identifiers: ClinVar variation 1312986 (VCV001312986.9), dbSNP rs970144947, ClinGen allele CA236612954.
Genomic context (GRCh38, chr12:49,043,995, plus strand): 5'-TTCTCATCCCCTTCAGCTAAGCTCTGCTCCACGGCGCCCTCTGCAGGCAGGTCAGCAGGT[A>G]TCACTGTGGACAGAACGGAAGTGTCAGACTCGGGTTGAGAGCATGCTGCTCCCAACTTGC-3'
Protein context (NP_003473.3, residues 1721-1741): LSGDGQPDEV[Ile1731Thr]PADLPAEGAV

ClinVar aggregate classification (germline): Conflicting classifications of pathogenicity. Review status: criteria provided, conflicting classifications (1 of 4 stars). 3 submissions from 3 submitters: Uncertain significance (1); Benign (1); Likely benign (1). Last evaluated 2025-12-23.

Conditions:
Kabuki syndrome. Also called: NIIKAWA-KUROKI SYNDROME; Kabuki make-up syndrome. Identifiers: Orphanet 2322, MedGen C0796004, MONDO:0016512.
Inborn genetic diseases. Identifiers: MedGen C0950123, MeSH D030342.

Allele frequency attached by ClinVar (database versions not stated): TOPMed below 0.00001; gnomAD 0.00001; gnomAD exomes 0.00001.
gnomAD v4.1: 4 of 1,613,866 alleles (0.00025%); highest among the groups gnomAD compares: Admixed American, 0.005%; no homozygotes.

Submissions (3):

Labcorp Genetics (formerly Invitae), Labcorp
Classification: Benign for Kabuki syndrome. Last evaluated: 2025-12-23. Review status: criteria provided, single submitter. Criteria: Invitae Variant Classification Sherloc (09022015). Collection method: clinical testing. Allele origin: germline.

Ambry Genetics
Classification: Likely benign for Inborn genetic diseases. Last evaluated: 2024-11-27. Review status: criteria provided, single submitter. Criteria: Ambry Variant Classification Scheme 2023. Collection method: clinical testing. Allele origin: germline.

GeneDx
Classification: Uncertain significance. Last evaluated: 2023-01-29. Review status: criteria provided, single submitter. Criteria: GeneDx Variant Classification Process June 2021. Collection method: clinical testing. Allele origin: germline. Affected: yes.
Comment: Has not been previously published as pathogenic or benign to our knowledge; In silico analysis supports that this missense variant does not alter protein structure/function